The following is an entry in ClinVar:

NM_006206.6(PDGFRA):c.1431C>T (p.His477=)

Gene: PDGFRA (platelet derived growth factor receptor alpha; plus strand). Cytogenetic location: 4q12.
Variant type: single nucleotide variant.
Coding change: c.1431C>T on transcript NM_006206.6 (MANE Select); coding-DNA position 1431, C replaced by T.
Protein change: p.His477=; no amino-acid change (histidine 477 retained).
Molecular consequence: synonymous variant.
Genome position (GRCh38, 1-based): chr4:54,273,603, C>T. VCF-style: chr4-54273603-C-T. GRCh37 (hg19) VCF-style: chr4-55139770-C-T.
Other names: c.1431C>T, p.His477= (NM_001347827.2, NM_001347829.2); c.1506C>T, p.His502= (NM_001347828.2); c.1470C>T, p.His490= (NM_001347830.2).
Identifiers: ClinVar variation 459000 (VCV000459000.26), dbSNP rs1553904190, ClinGen allele CA439287000.

ClinVar aggregate classification (germline): Benign/Likely benign. Review status: criteria provided, multiple submitters, no conflicts (2 of 4 stars). 4 submissions from 4 submitters: Benign (1); Likely benign (3). Last evaluated 2026-06-17.

Conditions:
Gastrointestinal stromal tumor. Also called: Gastrointestinal stromal tumor, somatic; Gastrointestinal stroma tumor. Identifiers: Orphanet 44890, MedGen C0238198, MeSH D046152, MONDO:0011719, OMIM 606764, HP:0100723.
Hereditary cancer-predisposing syndrome. Also called: Hereditary neoplastic syndrome; Neoplastic Syndromes, Hereditary; Hereditary Cancer Syndrome; Tumor predisposition. Identifiers: Orphanet 140162, MedGen C0027672, MeSH D009386, MONDO:0015356.
Polyps, multiple and recurrent inflammatory fibroid, gastrointestinal. Identifiers: MedGen C5193005, MONDO:0008285, OMIM 175510.

Allele frequency attached by ClinVar (database versions not stated): gnomAD exomes 0.00001.
gnomAD v4.1: 13 of 1,614,134 alleles (0.00081%); highest among the groups gnomAD compares: Non-Finnish European, 0.00085%; no homozygotes.

Submissions (4):

Myriad Genetics, Inc.
Classification: Benign for Polyps, multiple and recurrent inflammatory fibroid, gastrointestinal. Last evaluated: 2026-06-17. Review status: criteria provided, single submitter. Criteria: Myriad Autosomal Dominant, Autosomal Recessive and X-Linked Classification Criteria (2023). Collection method: clinical testing. Allele origin: unknown.
Comment: This variant is considered benign. This variant is a silent/synonymous amino acid change and it is not expected to impact splicing.

Labcorp Genetics (formerly Invitae), Labcorp
Classification: Likely benign for Gastrointestinal stromal tumor. Last evaluated: 2025-07-06. Review status: criteria provided, single submitter. Criteria: Invitae Variant Classification Sherloc (09022015). Collection method: clinical testing. Allele origin: germline.

CeGaT Center for Human Genetics Tuebingen
Classification: Likely benign. Last evaluated: 2024-09-01. Review status: criteria provided, single submitter. Criteria: CeGaT Center For Human Genetics Tuebingen Variant Classification Criteria Version 2. Collection method: clinical testing. Allele origin: germline. Affected: yes. Observed: 1 variant allele.
Comment: PDGFRA: BP4, BP7

Ambry Genetics
Classification: Likely benign for Hereditary cancer-predisposing syndrome. Last evaluated: 2023-04-06. Review status: criteria provided, single submitter. Criteria: Ambry Variant Classification Scheme 2023. Collection method: clinical testing. Allele origin: germline.